The following is an entry in ClinVar:

ClinVar aggregate classification (germline): Uncertain significance (1 of 4 stars; one submission).

Conditions:
Bethlem myopathy 1A. Also called: Bethlem myopathy 1; MYOPATHY, BENIGN CONGENITAL, WITH CONTRACTURES; Bethlem Muscular Dystrophy. Identifiers: Orphanet 610, MedGen CN029274, MONDO:0024530, OMIM 158810.

gnomAD v4.1: 1 of 1,613,938 alleles (0.000062%); highest among the groups gnomAD compares: Admixed American, 0.0017%; no homozygotes.

Submission:

Labcorp Genetics (formerly Invitae), Labcorp
Classification: Uncertain significance for Bethlem myopathy 1A. Last evaluated: 2024-02-11. Review status: criteria provided, single submitter. Criteria: Invitae Variant Classification Sherloc (09022015). Collection method: clinical testing. Allele origin: germline.
Comment: This sequence change replaces alanine, which is neutral and non-polar, with serine, which is neutral and polar, at codon 2657 of the COL6A3 protein (p.Ala2657Ser). This variant is present in population databases (no rsID available, gnomAD 0.003%). This variant has not been reported in the literature in individuals affected with COL6A3-related conditions. Advanced modeling of protein sequence and biophysical properties (such as structural, functional, and spatial information, amino acid conservation, physicochemical variation, residue mobility, and thermodynamic stability) performed at Invitae indicates that this missense variant is not expected to disrupt COL6A3 protein function with a negative predictive value of 80%. In summary, the available evidence is currently insufficient to determine the role of this variant in disease. Therefore, it has been classified as a Variant of Uncertain Significance.

NM_004369.4(COL6A3):c.7969G>T (p.Ala2657Ser)

Gene: COL6A3 (collagen type VI alpha 3 chain; minus strand). Cytogenetic location: 2q37.3.
Variant type: single nucleotide variant.
Coding change: c.7969G>T on transcript NM_004369.4 (MANE Select); coding-DNA position 7969, G replaced by T.
Protein change: p.Ala2657Ser; replaces alanine 2657 with serine.
Molecular consequence: missense variant.
Genome position (GRCh38, 1-based): chr2:237,340,947, C>A on the plus strand (G>T on the coding strand, the complement: COL6A3 is on the minus strand). VCF-style: chr2-237340947-C-A. GRCh37 (hg19) VCF-style: chr2-238249590-C-A.
Other names: c.6148G>T, p.Ala2050Ser (NM_057166.5); c.7351G>T, p.Ala2451Ser (NM_057167.4); short protein forms A2451S, A2657S, A2050S.
Identifiers: ClinVar variation 3662853 (VCV003662853.2).